The following is an entry in ClinVar:

NM_000038.6(APC):c.220+7T>A

Gene: APC (APC regulator of Wnt signaling pathway; plus strand). Cytogenetic location: 5q22.2.
Variant type: single nucleotide variant.
Coding change: c.220+7T>A on transcript NM_000038.6 (MANE Select); 7 bases into the intron after coding-DNA position 220, T replaced by A.
Molecular consequence: intron variant.
Genome position (GRCh38, 1-based): chr5:112,766,417, T>A. VCF-style: chr5-112766417-T-A. GRCh37 (hg19) VCF-style: chr5-112102114-T-A.
Other names: c.-816+7T>A (NM_001407470.1, NM_001407472.1, NM_001354906.2 and 1 more transcripts); c.220+7T>A (NM_001407447.1, NM_001354895.2, NM_001407456.1 and 16 more transcripts); c.250+7T>A (NM_001407446.1, NM_001354897.2, NM_001354902.2 and 1 more transcripts); c.43+7T>A (NM_001407453.1, NM_001354900.2, NM_001354901.2 and 1 more transcripts); c.145+7T>A (NM_001407451.1, NM_001354898.2, NM_001354904.2).
Identifiers: ClinVar variation 3148429 (VCV003148429.1), dbSNP rs2532275929, ClinGen allele CA2825001321.

ClinVar aggregate classification (germline): Likely benign (1 of 4 stars; one submission).

Conditions:
Familial adenomatous polyposis 1 (FAP1). Also called: POLYPOSIS, ADENOMATOUS INTESTINAL; FAMILIAL ADENOMATOUS POLYPOSIS 1, ATTENUATED. Identifiers: MedGen C2713442, MONDO:0021056, OMIM 175100. Disease mechanism: loss of function.

Submission:

Myriad Genetics, Inc.
Classification: Likely benign for Familial adenomatous polyposis 1. Last evaluated: 2024-02-22. Review status: criteria provided, single submitter. Criteria: Myriad Autosomal Dominant, Autosomal Recessive and X-Linked Classification Criteria (2023). Collection method: clinical testing. Allele origin: unknown.
Comment: This variant is considered likely benign. This variant is intronic and is not expected to impact mRNA splicing.